The following is an entry in ClinVar:

NM_000179.3(MSH6):c.2458_2459del (p.Arg820fs)

Gene: MSH6 (mutS homolog 6; plus strand). Cytogenetic location: 2p16.3.
Variant type: Microsatellite.
Coding change: c.2458_2459del on transcript NM_000179.3 (MANE Select); coding-DNA positions 2458 to 2459, 2 bases deleted (AG; older notation c.2458_2459delAG).
Protein change: p.Arg820fs; shifts the reading frame from arginine 820.
Molecular consequence: frameshift variant. On other transcripts: non-coding transcript variant (5), intron variant (3).
Genome position (GRCh38, 1-based): chr2:47,800,441-47,800,442, AG deleted; deleting any 2 consecutive bases within chr2:47,800,438-47,800,442 gives the same sequence; the c. name uses the placement nearest the transcript's 3' end. VCF-style (leftmost placement, unchanged base first): chr2-47800437-TGA-T. GRCh37 (hg19) VCF-style: chr2-48027576-TGA-T.
Other names: c.2458_2459delAG (NM_000179.2); c.2464_2465del, p.Arg822fs (NM_001406813.1); c.1552_1553del, p.Arg518fs (NM_001406814.1, NM_001406815.1, NM_001406816.1 and 6 more transcripts); c.2161_2162del, p.Arg721fs (NM_001406818.1, NM_001406819.1, NM_001406820.1 and 10 more transcripts); c.2456_2457AG[1], p.Arg820Alafs (NM_000179.2); c.2068_2069del, p.Arg690fs (NM_001281492.2); c.2554_2555del, p.Arg852fs (NM_001406795.1, NM_001406802.1); c.2458_2459del, p.Arg820fs (NM_001406796.1, NM_001406798.1, NM_001406800.1 and 2 more transcripts); and 6 more; short protein forms R764fs, R822fs, R852fs, R518fs, R794fs, R645fs, R690fs, R721fs.
Identifiers: ClinVar variation 4827452 (VCV004827452.1).

ClinVar aggregate classification (germline): Pathogenic (1 of 4 stars; one submission).

Conditions:
Hereditary cancer-predisposing syndrome. Also called: Neoplastic Syndromes, Hereditary; Tumor predisposition; Hereditary Cancer Syndrome; Hereditary neoplastic syndrome. Identifiers: Orphanet 140162, MedGen C0027672, MeSH D009386, MONDO:0015356.

Submission:

Ambry Genetics
Classification: Pathogenic for Hereditary cancer-predisposing syndrome. Last evaluated: 2026-03-04. Review status: criteria provided, single submitter. Criteria: Ambry Variant Classification Scheme 2023. Collection method: clinical testing. Allele origin: germline.
Comment: The c.2458_2459delAG pathogenic mutation, located in coding exon 4 of the MSH6 gene, results from a deletion of two nucleotides at nucleotide positions 2458 to 2459, causing a translational frameshift with a predicted alternate stop codon (p.R820Afs*4). This variant is considered to be rare based on population cohorts in the Genome Aggregation Database (gnomAD). This alteration is expected to result in loss of function by premature protein truncation or nonsense-mediated mRNA decay. As such, this alteration is interpreted as a disease-causing mutation.